The following is an entry in ClinVar:

ClinVar aggregate classification (germline): Pathogenic (1 of 4 stars; one submission).

Conditions:
Infantile-onset ascending hereditary spastic paralysis (IAHSP). Also called: Autosomal Recessive Juvenile Amyotrophic Lateral Sclerosis; Infantile-Onset Ascending Hereditary Spastic Paralysis (IAHSP). Identifiers: Orphanet 293168, MedGen C2931441, MONDO:0011797, OMIM 607225. Disease mechanism: loss of function.

Submission:

Labcorp Genetics (formerly Invitae), Labcorp
Classification: Pathogenic for Infantile-onset ascending hereditary spastic paralysis. Last evaluated: 2025-06-02. Review status: criteria provided, single submitter. Criteria: Invitae Variant Classification Sherloc (09022015). Collection method: clinical testing. Allele origin: germline.
Comment: This sequence change creates a premature translational stop signal (p.Gln1024*) in the ALS2 gene. It is expected to result in an absent or disrupted protein product. Loss-of-function variants in ALS2 are known to be pathogenic (PMID: 11586298, 24315819). This variant is not present in population databases (gnomAD no frequency). This variant has not been reported in the literature in individuals affected with ALS2-related conditions. ClinVar contains an entry for this variant (Variation ID: 2115520). Algorithms developed to predict the effect of sequence changes on RNA splicing suggest that this variant may disrupt the consensus splice site. For these reasons, this variant has been classified as Pathogenic.

Literature cited by the submitters: PubMed 11586298; PubMed 24315819.

NM_020919.4(ALS2):c.3070C>T (p.Gln1024Ter)

Gene: ALS2 (alsin Rho guanine nucleotide exchange factor ALS2; minus strand). Cytogenetic location: 2q33.1.
Variant type: single nucleotide variant.
Coding change: c.3070C>T on transcript NM_020919.4 (MANE Select); coding-DNA position 3070, C replaced by T.
Protein change: p.Gln1024Ter; replaces glutamine 1024 with a stop codon.
Molecular consequence: nonsense.
Genome position (GRCh38, 1-based): chr2:201,726,776, G>A on the plus strand (C>T on the coding strand, the complement: ALS2 is on the minus strand). VCF-style: chr2-201726776-G-A. GRCh37 (hg19) VCF-style: chr2-202591499-G-A.
Other names: c.3070C>T, p.Gln1024Ter (NM_001410975.1); short protein forms Q1024*.
Identifiers: ClinVar variation 2115520 (VCV002115520.4), dbSNP rs2469774653, ClinGen allele CA350321272.
Genomic context (GRCh38, chr2:201,726,776, plus strand): 5'-GGCGAGGATCCTTGTAGAAAGTATATTTGGCACTGCGTGAAATGGGTGGTTCCTGTCTCT[G>A]AACACTGCTACCACTTCCATAAGGGGGGAGATCAGACATCCCTCTCAAAGCCTGATCTAC-3'